The following is an entry in ClinVar:

ClinVar aggregate classification (germline): Uncertain significance (1 of 4 stars; one submission).

gnomAD v4.1: 4 of 1,519,746 alleles (0.00026%); highest among the groups gnomAD compares: East Asian, 0.0025%; no homozygotes.

Submission:

Women's Health and Genetics/Laboratory Corporation of America, LabCorp
Classification: Uncertain significance. Last evaluated: 2026-04-29. Review status: criteria provided, single submitter. Criteria: LabCorp Variant Classification Summary - May 2015. Collection method: clinical testing. Allele origin: germline.
Comment: Variant summary: ZNF469 c.9527C>T (p.Ala3176Val) results in a non-conservative amino acid change in the encoded protein sequence. Algorithms developed to predict the effect of missense changes on protein structure and function are either unavailable or do not agree on the potential impact of this missense change. The variant was absent in 122374 control chromosomes. The available data on variant occurrences in the general population are insufficient to allow any conclusion about variant significance. To our knowledge, no occurrence of c.9527C>T in individuals affected with ZNF469-related conditions and no experimental evidence demonstrating its impact on protein function have been reported. No submitters have cited clinical-significance assessments for this variant to ClinVar. Based on the evidence outlined above, the variant was classified as uncertain significance.

NM_001367624.2(ZNF469):c.9527C>T (p.Ala3176Val)

Gene: ZNF469 (zinc finger protein 469; plus strand). Cytogenetic location: 16q24.2.
Variant type: single nucleotide variant.
Coding change: c.9527C>T on transcript NM_001367624.2 (MANE Select); coding-DNA position 9527, C replaced by T.
Protein change: p.Ala3176Val; replaces alanine 3176 with valine.
Molecular consequence: missense variant.
Genome position (GRCh38, 1-based): chr16:88,436,997, C>T. VCF-style: chr16-88436997-C-T. GRCh37 (hg19) VCF-style: chr16-88503405-C-T.
Other names: short protein forms A3176V.
Identifiers: ClinVar variation 4848483 (VCV004848483.1).